The following is an entry in ClinVar:

ClinVar aggregate classification (germline): Uncertain significance. Review status: criteria provided, multiple submitters, no conflicts (2 of 4 stars). 2 submissions from 2 submitters: Uncertain significance (2). Last evaluated 2023-02-06.

gnomAD v4.1: 3 of 1,613,460 alleles (0.00019%); highest among the groups gnomAD compares: Non-Finnish European, 0.00017%; no homozygotes.

Submissions (2):

Revvity Omics, Revvity
Classification: Uncertain significance. Last evaluated: 2023-02-06. Review status: criteria provided, single submitter. Criteria: ACMG Guidelines, 2015. Collection method: clinical testing. Allele origin: germline.

CeGaT Center for Human Genetics Tuebingen
Classification: Uncertain significance. Last evaluated: 2023-01-01. Review status: criteria provided, single submitter. Criteria: CeGaT Center For Human Genetics Tuebingen Variant Classification Criteria Version 2. Collection method: clinical testing. Allele origin: germline. Affected: yes. Observed: 1 variant allele.
Comment: RYR1: PP3

NM_000540.3(RYR1):c.5347G>T (p.Val1783Leu)

Gene: RYR1 (ryanodine receptor 1; plus strand). Cytogenetic location: 19q13.2.
Variant type: single nucleotide variant.
Coding change: c.5347G>T on transcript NM_000540.3 (MANE Select); coding-DNA position 5347, G replaced by T.
Protein change: p.Val1783Leu; replaces valine 1783 with leucine.
Molecular consequence: missense variant.
Genome position (GRCh38, 1-based): chr19:38,486,002, G>T. VCF-style: chr19-38486002-G-T. GRCh37 (hg19) VCF-style: chr19-38976642-G-T.
Other names: c.5347G>T, p.Val1783Leu (NM_001042723.2); short protein forms V1783L.
Identifiers: ClinVar variation 2649796 (VCV002649796.26), dbSNP rs375160141, ClinGen allele CA066937.